The following is an entry in ClinVar:

NM_024422.6(DSC2):c.2698A>G (p.Lys900Glu)

Gene: DSC2 (desmocollin 2; minus strand). Cytogenetic location: 18q12.1.
Variant type: single nucleotide variant.
Coding change: c.2698A>G on transcript NM_024422.6 (MANE Select); coding-DNA position 2698, A replaced by G.
Protein change: p.Lys900Glu; replaces lysine 900 with glutamic acid.
Molecular consequence: missense variant. On other transcripts: 3 prime UTR variant (2).
Genome position (GRCh38, 1-based): chr18:31,068,023, T>C on the plus strand (A>G on the coding strand, the complement: DSC2 is on the minus strand). VCF-style: chr18-31068023-T-C. GRCh37 (hg19) VCF-style: chr18-28647989-T-C.
Other names: c.2269A>G, p.Lys757Glu (NM_001406506.1); c.*200A>G (NM_001406507.1, NM_004949.5); short protein forms K900E, K757E.
Identifiers: ClinVar variation 4014904 (VCV004014904.1).
Genomic context (GRCh38, chr18:31,068,023, plus strand): 5'-TTTTTTTAAAAGTCATAAAGCCACTGGCTTTCAGAGACTTATTAGAACACACTCATCTCT[T>C]CATGCATGCTTCTGCTAGTGTCCTAAATTTGGGCTCCAAATTATCCAAAAATTCAAGCCC-3'
Protein context (NP_077740.1, residues 890-901): KFRTLAEACM[Lys900Glu]R

ClinVar aggregate classification (germline): Uncertain significance (1 of 4 stars; one submission).

Conditions:
Cardiovascular phenotype. Identifiers: MedGen CN230736.

gnomAD v4.1: 2 of 1,613,776 alleles (0.00012%); highest among the groups gnomAD compares: Admixed American, 0.0017%; no homozygotes.

Submission:

Ambry Genetics
Classification: Uncertain significance for Cardiovascular phenotype. Last evaluated: 2025-05-02. Review status: criteria provided, single submitter. Criteria: Ambry Variant Classification Scheme 2023. Collection method: clinical testing. Allele origin: germline.
Comment: The p.K900E variant (also known as c.2698A>G), located in coding exon 16 of the DSC2 gene, results from an A to G substitution at nucleotide position 2698. The lysine at codon 900 is replaced by glutamic acid, an amino acid with similar properties. This amino acid position is conserved. In addition, the in silico prediction for this alteration is inconclusive. Based on the available evidence, the clinical significance of this variant remains unclear.